The following is an entry in ClinVar:

NM_001349884.2(DRAM2):c.185T>C (p.Ile62Thr)

Gene: DRAM2 (DNA damage regulated autophagy modulator 2; minus strand). Cytogenetic location: 1p13.3.
Variant type: single nucleotide variant.
Coding change: c.185T>C on transcript NM_001349884.2 (MANE Select); coding-DNA position 185, T replaced by C.
Protein change: p.Ile62Thr; replaces isoleucine 62 with threonine.
Molecular consequence: missense variant. On other transcripts: synonymous variant (3), 5 prime UTR variant (5), non-coding transcript variant (8).
Genome position (GRCh38, 1-based): chr1:111,126,241, A>G on the plus strand (T>C on the coding strand, the complement: DRAM2 is on the minus strand). VCF-style: chr1-111126241-A-G. GRCh37 (hg19) VCF-style: chr1-111668863-A-G.
Other names: c.185T>C, p.Ile62Thr (NM_001349881.2, NM_001349882.2, NM_001349885.2 and 1 more transcripts); c.27T>C, p.Tyr9= (NM_001349886.2, NM_001349887.2, NM_001349888.2); c.-66T>C (NM_001349889.2, NM_001349890.2, NM_001349892.2 and 1 more transcripts); c.-234T>C (NM_001349891.2); short protein forms I62T.
Identifiers: ClinVar variation 4778567 (VCV004778567.2).

ClinVar aggregate classification (germline): Uncertain significance. Review status: criteria provided, multiple submitters, no conflicts (2 of 4 stars). 2 submissions from 2 submitters: Uncertain significance (2). Last evaluated 2026-01-06.

gnomAD v4.1: 18 of 1,610,362 alleles (0.0011%); highest among the groups gnomAD compares: South Asian, 0.0022%; no homozygotes.

Submissions (2):

Labcorp Genetics (formerly Invitae), Labcorp
Classification: Uncertain significance. Last evaluated: 2026-01-06. Review status: criteria provided, single submitter. Criteria: Invitae Variant Classification Sherloc (09022015). Collection method: clinical testing. Allele origin: germline.
Comment: This sequence change replaces isoleucine, which is neutral and non-polar, with threonine, which is neutral and polar, at codon 62 of the DRAM2 protein (p.Ile62Thr). This variant is not present in population databases (gnomAD no frequency). This variant has not been reported in the literature in individuals affected with DRAM2-related conditions. Invitae Evidence Modeling of protein sequence and biophysical properties (such as structural, functional, and spatial information, amino acid conservation, physicochemical variation, residue mobility, and thermodynamic stability) indicates that this missense variant is not expected to disrupt DRAM2 protein function with a negative predictive value of 80%. In summary, the available evidence is currently insufficient to determine the role of this variant in disease. Therefore, it has been classified as a Variant of Uncertain Significance.

Blueprint Genetics
Classification: Uncertain significance. Last evaluated: 2024-01-19. Review status: criteria provided, single submitter. Criteria: ACMG Guidelines, 2015. Collection method: clinical testing. Allele origin: germline.